The following is an entry in ClinVar:

NM_006663.4(PPP1R13L):c.736_764del (p.Pro246fs)

Gene: PPP1R13L (protein phosphatase 1 regulatory subunit 13 like; minus strand). Cytogenetic location: 19q13.32.
Variant type: Deletion.
Coding change: c.736_764del on transcript NM_006663.4 (MANE Select); coding-DNA positions 736 to 764, 29 bases deleted (CCTCCGAAAGCCTGGAACGAGTCTGACCT).
Protein change: p.Pro246fs; shifts the reading frame from proline 246.
Molecular consequence: frameshift variant.
Genome position (GRCh38, 1-based): chr19:45,396,385-45,396,413, AGGTCAGACTCGTTCCAGGCTTTCGGAGG deleted on the plus strand (CCTCCGAAAGCCTGGAACGAGTCTGACCT on the coding strand, the reverse complement: PPP1R13L is on the minus strand). VCF-style (leftmost placement, unchanged base first): chr19-45396384-CAGGTCAGACTCGTTCCAGGCTTTCGGAGG-C. GRCh37 (hg19) VCF-style: chr19-45899642-CAGGTCAGACTCGTTCCAGGCTTTCGGAGG-C.
Other names: c.736_764del, p.Pro246fs (NM_001142502.2); short protein forms P246fs.
Identifiers: ClinVar variation 974805 (VCV000974805.4), dbSNP rs1973093514, ClinGen allele CA1139666483.
Genomic context (GRCh38, chr19:45,396,384, plus strand): 5'-CCTCCACCACTCACGTTCATAGCTCGCTGTCTGCGAAGGCTTCTTCTCGTACGCCACGTC[CAGGTCAGACTCGTTCCAGGCTTTCGGAGG>C]CCGCCGGCGCAGCGTCAGGTCGTCTGGGGAGAAGTTTCCAGGGAGGATGAGACGGGAGGG-3'

ClinVar aggregate classification (germline): Pathogenic/Likely pathogenic. Review status: criteria provided, multiple submitters, no conflicts (2 of 4 stars). 3 submissions from 3 submitters: Pathogenic (1); Likely pathogenic (1). 1 of the submissions does not count toward it. Last evaluated 2020-06-16.

Conditions:
Primary dilated cardiomyopathy (DCM). Also called: Dilated Cardiomyopathy. Identifiers: Orphanet 217604, MedGen C0007193, MeSH D002311, MONDO:0005021, HP:0001644. Inheritance: Various modes of inheritance.
Arrhythmogenic cardiomyopathy with variable ectodermal abnormalities (ARCME). Identifiers: MedGen C5882696, MONDO:0957795, OMIM 620519.
Orofacial cleft. Also called: Orofacial clefting; Oral cleft. Identifiers: MedGen C3266076, MONDO:0000358, HP:0000202.

Allele frequency attached by ClinVar (database versions not stated): gnomAD exomes below 0.00001.

Submissions (3):

Clinical Genomics and Bioinformatics Laboratory, Pirogov Russian National Research Medical University
Classification: Pathogenic for Primary dilated cardiomyopathy; Orofacial cleft. Last evaluated: 2020-06-16. Review status: criteria provided, single submitter. Criteria: ACMG Guidelines, 2015. Collection method: clinical testing. Allele origin: inherited. Inheritance: Autosomal recessive inheritance. Affected: yes. Observed: 2 homozygotes.

Exeter Genomics Laboratory, Royal Devon University Healthcare NHS Foundation Trust
Classification: Likely pathogenic for Primary dilated cardiomyopathy. Last evaluated: 2020-06-10. Review status: criteria provided, single submitter. Criteria: ACMG Guidelines, 2015. Collection method: clinical testing. Allele origin: germline. Affected: yes.
Comment: This variant was found to be homozygous.

OMIM
Classification: Pathogenic for ARRHYTHMOGENIC CARDIOMYOPATHY WITH VARIABLE ECTODERMAL ABNORMALITIES. Last evaluated: 2023-09-26. Review status: no assertion criteria provided. Collection method: literature only. Allele origin: germline. Not counted in ClinVar's aggregate classification.

Literature cited by the submitters: PubMed 28069640 (cited by Clinical Genomics and Bioinformatics Laboratory, Pirogov Russian National Research Medical University); PubMed 32666529 (cited by OMIM).